The following is an entry in ClinVar:

ClinVar aggregate classification (germline): Uncertain significance. Review status: criteria provided, multiple submitters, no conflicts (2 of 4 stars). 3 submissions from 3 submitters: Uncertain significance (2). 1 of the submissions does not count toward it. Last evaluated 2026-02-01.

Conditions:
Autosomal recessive early-onset Parkinson disease 6 (PARK6). Also called: PARKINSON DISEASE 6, MODIFIER OF; PARKINSON DISEASE 6, EARLY-ONSET; PINK1-Related Parkinson Disease; PINK1 Type of Young-Onset Parkinson Disease. Identifiers: Orphanet 2828, MedGen C1853833, MONDO:0011613, OMIM 605909.

Allele frequency attached by ClinVar (database versions not stated): ExAC 0.00004; gnomAD exomes 0.00004 and 0.00011; gnomAD 0.00007 and 0.00008; TOPMed 0.00014.
gnomAD v4.1: 175 of 1,614,078 alleles (0.011%); highest among the groups gnomAD compares: Middle Eastern, 0.016%; no homozygotes.

Submissions (3):

CeGaT Center for Human Genetics Tuebingen
Classification: Uncertain significance. Last evaluated: 2026-02-01. Review status: criteria provided, single submitter. Criteria: CeGaT Center For Human Genetics Tuebingen Variant Classification Criteria Version 2. Collection method: clinical testing. Allele origin: germline. Affected: yes. Observed: 2 variant alleles.
Comment: PINK1: PM2

Labcorp Genetics (formerly Invitae), Labcorp
Classification: Uncertain significance for Autosomal recessive early-onset Parkinson disease 6. Last evaluated: 2022-08-13. Review status: criteria provided, single submitter. Criteria: Invitae Variant Classification Sherloc (09022015). Collection method: clinical testing. Allele origin: germline.
Comment: This sequence change replaces arginine, which is basic and polar, with histidine, which is basic and polar, at codon 279 of the PINK1 protein (p.Arg279His). This variant is present in population databases (rs74315358, gnomAD 0.006%). This missense change has been observed in individual(s) with Parkinson disease (PMID: 15970950, 18704525, 34148545). ClinVar contains an entry for this variant (Variation ID: 2411). Algorithms developed to predict the effect of missense changes on protein structure and function are either unavailable or do not agree on the potential impact of this missense change (SIFT: "Tolerated"; PolyPhen-2: "Possibly Damaging"; Align-GVGD: "Class C0"). In summary, the available evidence is currently insufficient to determine the role of this variant in disease. Therefore, it has been classified as a Variant of Uncertain Significance.

OMIM
Classification: Pathogenic for PARKINSON DISEASE 6, EARLY-ONSET. Last evaluated: 2008-10-01. Review status: no assertion criteria provided. Collection method: literature only. Allele origin: germline. Not counted in ClinVar's aggregate classification.

Literature cited by the submitters: PubMed 15970950 (cited by Labcorp Genetics (formerly Invitae), Labcorp and OMIM); PubMed 18704525 (cited by Labcorp Genetics (formerly Invitae), Labcorp and OMIM); PubMed 34148545 (cited by Labcorp Genetics (formerly Invitae), Labcorp).

NM_032409.3(PINK1):c.836G>A (p.Arg279His)

Genes: PINK1 (PTEN induced kinase 1; plus strand), PINK1-AS (PINK1 antisense RNA; minus strand). Cytogenetic location: 1p36.12.
Variant type: single nucleotide variant.
Coding change: c.836G>A on transcript NM_032409.3 (MANE Select); coding-DNA position 836, G replaced by A.
Protein change: p.Arg279His; replaces arginine 279 with histidine.
Molecular consequence: missense variant.
Genome position (GRCh38, 1-based): chr1:20,644,549, G>A. VCF-style: chr1-20644549-G-A. GRCh37 (hg19) VCF-style: chr1-20971042-G-A.
Other names: short protein forms R279H.
Identifiers: ClinVar variation 2411 (VCV000002411.33), dbSNP rs74315358, ClinGen allele CA252274.
Genomic context (GRCh38, chr1:20,644,549, plus strand): 5'-GAAAATCCAAGAGAGGTCCCAAGCAACTAGCCCCTCACCCCAACATCATCCGGGTTCTCC[G>A]CGCCTTCACCTCTTCCGTGCCGCTGCTGCCAGGGGCCCTGGTCGACTACCCTGATGTGCT-3'
Protein context (NP_115785.1, residues 269-289): APHPNIIRVL[Arg279His]AFTSSVPLLP